The following is an entry in ClinVar:

NM_000038.6(APC):c.4348C>G (p.Arg1450Gly)

Gene: APC (APC regulator of Wnt signaling pathway; plus strand). Cytogenetic location: 5q22.2.
Variant type: single nucleotide variant.
Coding change: c.4348C>G on transcript NM_000038.6 (MANE Select); coding-DNA position 4348, C replaced by G.
Protein change: p.Arg1450Gly; replaces arginine 1450 with glycine.
Molecular consequence: missense variant.
Genome position (GRCh38, 1-based): chr5:112,839,942, C>G. VCF-style: chr5-112839942-C-G. GRCh37 (hg19) VCF-style: chr5-112175639-C-G.
Other names: c.4348C>G, p.Arg1450Gly (NM_001127510.3, NM_001354895.2); c.4294C>G, p.Arg1432Gly (NM_001127511.3); c.4402C>G, p.Arg1468Gly (NM_001354896.2); c.4378C>G, p.Arg1460Gly (NM_001354897.2); c.4273C>G, p.Arg1425Gly (NM_001354898.2); c.4264C>G, p.Arg1422Gly (NM_001354899.2); c.4225C>G, p.Arg1409Gly (NM_001354900.2); c.4171C>G, p.Arg1391Gly (NM_001354901.2); and 5 more; short protein forms R1324G, R1391G, R1409G, R1422G, R1432G, R1167G, R1425G, R1460G.
Identifiers: ClinVar variation 1503074 (VCV001503074.8), dbSNP rs121913332, ClinGen allele CA038746.
Genomic context (GRCh38, chr5:112,839,942, plus strand): 5'-ACCATGCCACCAAGCAGAAGTAAAACACCTCCACCACCTCCTCAAACAGCTCAAACCAAG[C>G]GAGAAGTACCTAAAAATAAAGCACCTACTGCTGAAAAGAGAGAGAGTGGACCTAAGCAAG-3'
Protein context (NP_000029.2, residues 1440-1460): PPPPQTAQTK[Arg1450Gly]EVPKNKAPTA

ClinVar aggregate classification (germline): Uncertain significance (1 of 4 stars; one submission).

Conditions:
Familial adenomatous polyposis 1 (FAP1). Also called: FAMILIAL ADENOMATOUS POLYPOSIS 1, ATTENUATED; POLYPOSIS, ADENOMATOUS INTESTINAL. Identifiers: MedGen C2713442, MONDO:0021056, OMIM 175100. Disease mechanism: loss of function.

Allele frequency attached by ClinVar (database versions not stated): gnomAD exomes below 0.00001; ExAC 0.00001.
gnomAD v4.1: 1 of 1,613,958 alleles (0.000062%); highest among the groups gnomAD compares: Non-Finnish European, 0.000085%; no homozygotes.

Submission:

Labcorp Genetics (formerly Invitae), Labcorp
Classification: Uncertain significance for Familial adenomatous polyposis 1. Last evaluated: 2024-04-06. Review status: criteria provided, single submitter. Criteria: Invitae Variant Classification Sherloc (09022015). Collection method: clinical testing. Allele origin: germline.
Comment: This sequence change replaces arginine, which is basic and polar, with glycine, which is neutral and non-polar, at codon 1450 of the APC protein (p.Arg1450Gly). This variant is present in population databases (rs121913332, gnomAD 0.0009%). This variant has not been reported in the literature in individuals affected with APC-related conditions. ClinVar contains an entry for this variant (Variation ID: 1503074). Advanced modeling of protein sequence and biophysical properties (such as structural, functional, and spatial information, amino acid conservation, physicochemical variation, residue mobility, and thermodynamic stability) performed at Invitae indicates that this missense variant is not expected to disrupt APC protein function with a negative predictive value of 95%. In summary, the available evidence is currently insufficient to determine the role of this variant in disease. Therefore, it has been classified as a Variant of Uncertain Significance.